The following is an entry in ClinVar:

ClinVar aggregate classification (germline): Uncertain significance (1 of 4 stars; one submission).

Conditions:
Mitochondrial disease. Also called: Mitochondrial disorders; Mitochondrial disorder. Identifiers: Orphanet 68380, MedGen C0751651, MeSH D028361, MONDO:0044970.

Submission:

Diagnostics Services (NGS), CSIR - Centre For Cellular And Molecular Biology
Classification: Uncertain significance for Mitochondrial disease. Last evaluated: 2023-11-17. Review status: criteria provided, single submitter. Criteria: ACMG Guidelines, 2015. Collection method: clinical testing. Allele origin: unknown. Inheritance: Mitochondrial inheritance. Affected: yes. Observed: 1 variant allele, 1 heterozygote.
Comment: The m.446T>G variant is not present in publicly available population databases like 1000 Genomes, mtDB, MITOMAP, HelixMTdb and gnomAD v3.1 and our in-house exome database. This variant has neither been published in literature for MT-CYB-related conditions nor reported to the clinical databases like ClinVar or OMIM in any affected individuals. This variant is present in the MitImpact database. In-silico pathogenicity prediction programs like PolyPhen-2, CADD, APOGEE1 etc predicted this variant to be likely deleterious, however these predictions were not confirmed by published functional studies.

NC_012920.1(MT-CYB):m.15192T>G

Gene: MT-CYB (mitochondrially encoded cytochrome b; plus strand).
Variant type: single nucleotide variant.
Genome position: chrM-15192-T-G.
Identifiers: ClinVar variation 2664158 (VCV002664158.1), dbSNP rs2520748169, ClinGen allele CA913173203.